The following is an entry in ClinVar:

ClinVar aggregate classification (germline): Likely pathogenic (1 of 4 stars; one submission).

Conditions:
Complex cortical dysplasia with other brain malformations 2. Identifiers: MedGen C3809013, MONDO:0014116, OMIM 615282.

Submission:

Institute of Human Genetics, University of Leipzig Medical Center
Classification: Likely pathogenic for Complex cortical dysplasia with other brain malformations 2. Last evaluated: 2024-12-12. Review status: criteria provided, single submitter. Criteria: ACMG Guidelines, 2015. Collection method: clinical testing. Allele origin: unknown. Affected: yes.
Comment: PVS1_strong, PM2

NM_004522.3(KIF5C):c.2385dup (p.Gln796fs)

Gene: KIF5C (kinesin family member 5C; plus strand). Cytogenetic location: 2q23.2.
Variant type: Duplication.
Coding change: c.2385dup on transcript NM_004522.3 (MANE Select); coding-DNA position 2385, one base duplicated (G; older notation c.2385dupG).
Protein change: p.Gln796fs; shifts the reading frame from glutamine 796.
Molecular consequence: frameshift variant. On other transcripts: non-coding transcript variant (1).
Genome position (GRCh38, 1-based): chr2:149,005,404, G duplicated. VCF-style (leftmost placement, unchanged base first): chr2-149005403-T-TG. GRCh37 (hg19) VCF-style: chr2-149861917-T-TG.
Other names: short protein forms Q796fs.
Identifiers: ClinVar variation 3385396 (VCV003385396.1).
Genomic context (GRCh38, chr2:149,005,403, plus strand): 5'-TAAATTCAGTGAATTGCTGCACTTAAGTGGCCTTTAAAAATCTCTTCCAGTCTAGAGAAT[T>TG]GCAGACACTGCACAACCTTCGGAAACTCTTTGTCCAGGATCTGACCACCCGAGTTAAAAA-3'